The following is an entry in ClinVar:

ClinVar aggregate classification (germline): Uncertain significance (1 of 4 stars; one submission).

Conditions:
Inborn genetic diseases. Identifiers: MedGen C0950123, MeSH D030342.

Submission:

Ambry Genetics
Classification: Uncertain significance for Inborn genetic diseases. Last evaluated: 2023-05-28. Review status: criteria provided, single submitter. Criteria: Ambry Variant Classification Scheme 2023. Collection method: clinical testing. Allele origin: germline.
Comment: The p.F1158C variant (also known as c.3473T>G), located in coding exon 25 of the LRRK2 gene, results from a T to G substitution at nucleotide position 3473. The phenylalanine at codon 1158 is replaced by cysteine, an amino acid with highly dissimilar properties. This amino acid position is conserved. In addition, the in silico prediction for this alteration is inconclusive. Since supporting evidence is limited at this time, the clinical significance of this alteration remains unclear.

NM_198578.4(LRRK2):c.3473T>G (p.Phe1158Cys)

Gene: LRRK2 (leucine rich repeat kinase 2; plus strand). Cytogenetic location: 12q12.
Variant type: single nucleotide variant.
Coding change: c.3473T>G on transcript NM_198578.4 (MANE Select); coding-DNA position 3473, T replaced by G.
Protein change: p.Phe1158Cys; replaces phenylalanine 1158 with cysteine.
Molecular consequence: missense variant.
Genome position (GRCh38, 1-based): chr12:40,299,234, T>G. VCF-style: chr12-40299234-T-G. GRCh37 (hg19) VCF-style: chr12-40693036-T-G.
Other names: short protein forms F1158C.
Identifiers: ClinVar variation 2567430 (VCV002567430.2), dbSNP rs2499757408, ClinGen allele CA384415951.